The following is an entry in ClinVar:

ClinVar aggregate classification (germline): Uncertain significance (1 of 4 stars; one submission).

Allele frequency attached by ClinVar (database versions not stated): gnomAD exomes below 0.00001; gnomAD 0.00001.

Submission:

Labcorp Genetics (formerly Invitae), Labcorp
Classification: Uncertain significance. Last evaluated: 2021-08-31. Review status: criteria provided, single submitter. Criteria: Invitae Variant Classification Sherloc (09022015). Collection method: clinical testing. Allele origin: germline.
Comment: This sequence change replaces threonine with isoleucine at codon 165 of the GNPTG protein (p.Thr165Ile). The threonine residue is highly conserved and there is a moderate physicochemical difference between threonine and isoleucine. This variant is not present in population databases (ExAC no frequency). This variant has not been reported in the literature in individuals affected with GNPTG-related conditions. Algorithms developed to predict the effect of missense changes on protein structure and function are either unavailable or do not agree on the potential impact of this missense change (SIFT: "Deleterious"; PolyPhen-2: "Probably Damaging"; Align-GVGD: "Class C15"). In summary, the available evidence is currently insufficient to determine the role of this variant in disease. Therefore, it has been classified as a Variant of Uncertain Significance.

NM_032520.5(GNPTG):c.494C>T (p.Thr165Ile)

Gene: GNPTG (N-acetylglucosamine-1-phosphate transferase subunit gamma; plus strand). Cytogenetic location: 16p13.3.
Variant type: single nucleotide variant.
Coding change: c.494C>T on transcript NM_032520.5 (MANE Select); coding-DNA position 494, C replaced by T.
Protein change: p.Thr165Ile; replaces threonine 165 with isoleucine.
Molecular consequence: missense variant.
Genome position (GRCh38, 1-based): chr16:1,362,288, C>T. VCF-style: chr16-1362288-C-T. GRCh37 (hg19) VCF-style: chr16-1412289-C-T.
Other names: short protein forms T165I.
Identifiers: ClinVar variation 1418597 (VCV001418597.5), dbSNP rs113167728, ClinGen allele CA276657637.